The following is an entry in ClinVar:

ClinVar aggregate classification (germline): Conflicting classifications of pathogenicity. Review status: criteria provided, conflicting classifications (1 of 4 stars). 4 submissions from 4 submitters: Uncertain significance (3); Likely benign (1). Last evaluated 2026-05-10.

Conditions:
FHL1-related disorder. Also called: FHL1-related condition; FHL1-related disorders.
Cardiovascular phenotype. Identifiers: MedGen CN230736.
X-linked myopathy with postural muscle atrophy. Also called: FHL1-Related Emery-Dreifuss Muscular Dystrophy, X-Linked. Identifiers: Orphanet 178461, MedGen C2678055, MONDO:0010401, OMIM 300696.

Allele frequency attached by ClinVar (database versions not stated): gnomAD 0.00001; TOPMed 0.00002.
gnomAD v4.1: 2 of 1,209,089 alleles (0.00017%); highest among the groups gnomAD compares: Non-Finnish European, 0.00022%; no homozygotes.

Submissions (4):

PreventionGenetics, part of Exact Sciences
Classification: Uncertain significance for FHL1-related condition. Last evaluated: 2026-05-10. Review status: criteria provided, single submitter. Criteria: ACMG Guidelines, 2015. Collection method: clinical testing. Allele origin: germline.
Comment: The FHL1 c.852G>C variant is predicted to result in the amino acid substitution p.Gln284His. To our knowledge, this variant has not been reported in the literature. This variant is reported in 0.0024% of alleles in individuals of European (Non-Finnish) descent in gnomAD. At this time, the clinical significance of this variant is uncertain due to the absence of conclusive functional and genetic evidence.

Ambry Genetics
Classification: Likely benign for Cardiovascular phenotype. Last evaluated: 2026-04-21. Review status: criteria provided, single submitter. Criteria: Ambry Variant Classification Scheme 2023. Collection method: clinical testing. Allele origin: germline.

Labcorp Genetics (formerly Invitae), Labcorp
Classification: Uncertain significance for X-linked myopathy with postural muscle atrophy. Last evaluated: 2024-06-19. Review status: criteria provided, single submitter. Criteria: Invitae Variant Classification Sherloc (09022015). Collection method: clinical testing. Allele origin: germline.
Comment: This sequence change replaces glutamine, which is neutral and polar, with histidine, which is basic and polar, at codon 268 of the FHL1 protein (p.Gln268His). This variant is present in population databases (no rsID available, gnomAD 0.002%). This variant has not been reported in the literature in individuals affected with FHL1-related conditions. ClinVar contains an entry for this variant (Variation ID: 537349). An algorithm developed to predict the effect of missense changes on protein structure and function (PolyPhen-2) suggests that this variant is likely to be tolerated. In summary, the available evidence is currently insufficient to determine the role of this variant in disease. Therefore, it has been classified as a Variant of Uncertain Significance.

Revvity Omics, Revvity
Classification: Uncertain significance. Last evaluated: 2022-08-17. Review status: criteria provided, single submitter. Criteria: ACMG Guidelines, 2015. Collection method: clinical testing. Allele origin: germline.

NM_001159699.2(FHL1):c.852G>C (p.Gln284His)

Gene: FHL1 (four and a half LIM domains 1; plus strand). Cytogenetic location: Xq26.3.
Variant type: single nucleotide variant.
Coding change: c.852G>C on transcript NM_001159699.2 (MANE Select); coding-DNA position 852, G replaced by C.
Protein change: p.Gln284His; replaces glutamine 284 with histidine.
Molecular consequence: missense variant. On other transcripts: 3 prime UTR variant (6), non-coding transcript variant (1).
Genome position (GRCh38, 1-based): chrX:136,209,986, G>C. VCF-style: chrX-136209986-G-C. GRCh37 (hg19) VCF-style: chrX-135292145-G-C.
Other names: c.852G>C (NM_001159699.1); c.804G>C, p.Gln268His (NM_001159700.2, NM_001159704.1, NM_001167819.1 and 4 more transcripts); c.891G>C, p.Gln297His (NM_001159701.2); c.*32G>C (NM_001159702.3, NM_001159703.2, NM_001330659.2 and 3 more transcripts); short protein forms Q268H, Q284H, Q297H.
Identifiers: ClinVar variation 537349 (VCV000537349.15), dbSNP rs774024150, ClinGen allele CA336096760.